The following is an entry in ClinVar:

ClinVar aggregate classification (germline): Uncertain significance (1 of 4 stars; one submission).

Conditions:
Left ventricular noncompaction 1 (LVNC1). Also called: LEFT VENTRICULAR NONCOMPACTION 1 WITH OR WITHOUT CONGENITAL HEART DEFECTS. Identifiers: Orphanet 54260, MedGen C1858725, MONDO:0011403, OMIM 604169.

Allele frequency attached by ClinVar (database versions not stated): TOPMed below 0.00001; gnomAD exomes 0.00001 and 0.00002; ExAC 0.00002.
gnomAD v4.1: 28 of 1,614,194 alleles (0.0017%); highest among the groups gnomAD compares: Admixed American, 0.0033%; no homozygotes.

Submission:

Labcorp Genetics (formerly Invitae), Labcorp
Classification: Uncertain significance for Left ventricular noncompaction 1. Last evaluated: 2023-02-22. Review status: criteria provided, single submitter. Criteria: Invitae Variant Classification Sherloc (09022015). Collection method: clinical testing. Allele origin: germline.
Comment: In summary, the available evidence is currently insufficient to determine the role of this variant in disease. Therefore, it has been classified as a Variant of Uncertain Significance. Algorithms developed to predict the effect of missense changes on protein structure and function output the following: SIFT: "Not Available"; PolyPhen-2: "Benign"; Align-GVGD: "Not Available". The valine amino acid residue is found in multiple mammalian species, which suggests that this missense change does not adversely affect protein function. ClinVar contains an entry for this variant (Variation ID: 1488758). This variant has not been reported in the literature in individuals affected with DTNA-related conditions. This variant is present in population databases (rs773170065, gnomAD 0.003%). This sequence change replaces alanine, which is neutral and non-polar, with valine, which is neutral and non-polar, at codon 580 of the DTNA protein (p.Ala580Val).

NM_001386795.1(DTNA):c.1820C>T (p.Ala607Val)

Gene: DTNA (dystrobrevin alpha; plus strand). Cytogenetic location: 18q12.1.
Variant type: single nucleotide variant.
Coding change: c.1820C>T on transcript NM_001386795.1 (MANE Select); coding-DNA position 1820, C replaced by T.
Protein change: p.Ala607Val; replaces alanine 607 with valine.
Molecular consequence: missense variant.
Genome position (GRCh38, 1-based): chr18:34,875,315, C>T. VCF-style: chr18-34875315-C-T. GRCh37 (hg19) VCF-style: chr18-32455279-C-T.
Other names: c.1556C>T, p.Ala519Val (NM_001386769.1, NM_001386768.1); c.1820C>T, p.Ala607Val (NM_001386788.1); c.1739C>T, p.Ala580Val (NM_001390.5); c.1568C>T, p.Ala523Val (NM_032975.4, NM_001386761.1); c.683C>T, p.Ala228Val (NM_032980.4); c.1559C>T, p.Ala520Val (NM_001198938.2, NM_001198940.2, NM_001386753.1 and 5 more transcripts); c.1580C>T, p.Ala527Val (NM_001198939.2); c.866C>T, p.Ala289Val (NM_001198942.1); and 5 more; short protein forms A519V, A520V, A527V, A549V, A550V, A607V, A522V, A523V.
Identifiers: ClinVar variation 1488758 (VCV001488758.6), dbSNP rs773170065, ClinGen allele CA8935855.